The following is an entry in ClinVar:

ClinVar aggregate classification (germline): Uncertain significance (1 of 4 stars; one submission).

Conditions:
Catecholaminergic polymorphic ventricular tachycardia 1. Also called: VENTRICULAR TACHYCARDIA, CATECHOLAMINERGIC POLYMORPHIC, 1, WITH OR WITHOUT ATRIAL DYSFUNCTION AND/OR DILATED CARDIOMYOPATHY; RYR2-Related Catecholaminergic Polymorphic Ventricular Tachycardia; VENTRICULAR TACHYCARDIA, STRESS-INDUCED POLYMORPHIC 1. Identifiers: Orphanet 3286, MedGen C1631597, MONDO:0011484, OMIM 604772.

Submission:

Labcorp Genetics (formerly Invitae), Labcorp
Classification: Uncertain significance for Catecholaminergic polymorphic ventricular tachycardia 1. Last evaluated: 2022-01-07. Review status: criteria provided, single submitter. Criteria: Invitae Variant Classification Sherloc (09022015). Collection method: clinical testing. Allele origin: germline.
Comment: In summary, the available evidence is currently insufficient to determine the role of this variant in disease. Therefore, it has been classified as a Variant of Uncertain Significance. Algorithms developed to predict the effect of missense changes on protein structure and function output the following: SIFT: "Tolerated"; PolyPhen-2: "Possibly Damaging"; Align-GVGD: "Class C0". The aspartic acid amino acid residue is found in multiple mammalian species, which suggests that this missense change does not adversely affect protein function. This variant has not been reported in the literature in individuals affected with TRDN-related conditions. This variant is not present in population databases (gnomAD no frequency). This sequence change replaces glutamic acid, which is acidic and polar, with aspartic acid, which is acidic and polar, at codon 662 of the TRDN protein (p.Glu662Asp).

NM_006073.4(TRDN):c.1986A>T (p.Glu662Asp)

Gene: TRDN (triadin; minus strand). Cytogenetic location: 6q22.31.
Variant type: single nucleotide variant.
Coding change: c.1986A>T on transcript NM_006073.4 (MANE Select); coding-DNA position 1986, A replaced by T.
Protein change: p.Glu662Asp; replaces glutamic acid 662 with aspartic acid.
Molecular consequence: missense variant.
Genome position (GRCh38, 1-based): chr6:123,224,121, T>A on the plus strand (A>T on the coding strand, the complement: TRDN is on the minus strand). VCF-style: chr6-123224121-T-A. GRCh37 (hg19) VCF-style: chr6-123545266-T-A.
Other names: short protein forms E662D.
Identifiers: ClinVar variation 2077225 (VCV002077225.4), dbSNP rs2534854663, ClinGen allele CA365565729.